The following is an entry in ClinVar:

NM_005477.3(HCN4):c.448G>A (p.Ala150Thr)

Gene: HCN4 (hyperpolarization activated cyclic nucleotide gated potassium channel 4; minus strand). Cytogenetic location: 15q24.1.
Variant type: single nucleotide variant.
Coding change: c.448G>A on transcript NM_005477.3 (MANE Select); coding-DNA position 448, G replaced by A.
Protein change: p.Ala150Thr; replaces alanine 150 with threonine.
Molecular consequence: missense variant.
Genome position (GRCh38, 1-based): chr15:73,367,823, C>T on the plus strand (G>A on the coding strand, the complement: HCN4 is on the minus strand). VCF-style: chr15-73367823-C-T. GRCh37 (hg19) VCF-style: chr15-73660164-C-T.
Other names: short protein forms A150T.
Identifiers: ClinVar variation 3636618 (VCV003636618.2).
Genomic context (GRCh38, chr15:73,367,823, plus strand): 5'-GCTGGGGCGGCGGCGGCGAGGCTGCGGGCTGCGCCGAGGCGCCGGGGCGCTCGGGCTCGG[C>T]CGCCAGGCCTGGGGGCGTCCTGTCCTCGCCGGGGGACGCGTCGCCCTCGGCGATGAGCCG-3'
Protein context (NP_005468.1, residues 140-160): GEDRTPPGLA[Ala150Thr]EPERPGASAQ

ClinVar aggregate classification (germline): Uncertain significance (1 of 4 stars; one submission).

Conditions:
Brugada syndrome 8 (BRGDA8). Identifiers: Orphanet 130, MedGen C2751083, MONDO:0013148, OMIM 613123.

Submission:

Labcorp Genetics (formerly Invitae), Labcorp
Classification: Uncertain significance for Brugada syndrome 8. Last evaluated: 2024-04-04. Review status: criteria provided, single submitter. Criteria: Invitae Variant Classification Sherloc (09022015). Collection method: clinical testing. Allele origin: germline.
Comment: This sequence change replaces alanine, which is neutral and non-polar, with threonine, which is neutral and polar, at codon 150 of the HCN4 protein (p.Ala150Thr). This variant is not present in population databases (gnomAD no frequency). This variant has not been reported in the literature in individuals affected with HCN4-related conditions. Advanced modeling of protein sequence and biophysical properties (such as structural, functional, and spatial information, amino acid conservation, physicochemical variation, residue mobility, and thermodynamic stability) performed at Invitae indicates that this missense variant is not expected to disrupt HCN4 protein function with a negative predictive value of 95%. In summary, the available evidence is currently insufficient to determine the role of this variant in disease. Therefore, it has been classified as a Variant of Uncertain Significance.